The following is an entry in ClinVar:

ClinVar aggregate classification (germline): Pathogenic (1 of 4 stars; one submission).

Conditions:
Pierson syndrome. Also called: MICROCORIA-CONGENITAL NEPHROTIC SYNDROME. Identifiers: Orphanet 2670, MedGen C1836876, MONDO:0012184, OMIM 609049.
LAMB2-related infantile-onset nephrotic syndrome. Also called: NEPHROTIC SYNDROME, TYPE 5, WITHOUT OCULAR ABNORMALITIES; NEPHROTIC SYNDROME, TYPE 5, WITH OCULAR ABNORMALITIES; Nephrotic Syndrome, type 5. Identifiers: Orphanet 306507, MedGen C3280113, MONDO:0013621, OMIM 614199.

Submission:

Labcorp Genetics (formerly Invitae), Labcorp
Classification: Pathogenic for LAMB2-related infantile-onset nephrotic syndrome; Pierson syndrome. Last evaluated: 2025-01-21. Review status: criteria provided, single submitter. Criteria: Invitae Variant Classification Sherloc (09022015). Collection method: clinical testing. Allele origin: germline.
Comment: This sequence change creates a premature translational stop signal (p.Arg853*) in the LAMB2 gene. It is expected to result in an absent or disrupted protein product. Loss-of-function variants in LAMB2 are known to be pathogenic (PMID: 15367484). This variant is present in population databases (no rsID available, gnomAD 0.007%). This variant has not been reported in the literature in individuals affected with LAMB2-related conditions. For these reasons, this variant has been classified as Pathogenic.

Literature cited by the submitters: PubMed 15367484.

NM_002292.4(LAMB2):c.2557C>T (p.Arg853Ter)

Genes: LAMB2 (laminin subunit beta 2; minus strand), LOC129936738 (ATAC-STARR-seq lymphoblastoid active region 19855; plus strand). Cytogenetic location: 3p21.31.
Variant type: single nucleotide variant.
Coding change: c.2557C>T on transcript NM_002292.4 (MANE Select); coding-DNA position 2557, C replaced by T.
Protein change: p.Arg853Ter; replaces arginine 853 with a stop codon.
Molecular consequence: nonsense.
Genome position (GRCh38, 1-based): chr3:49,125,416, G>A on the plus strand (C>T on the coding strand, the complement: LAMB2 is on the minus strand). VCF-style: chr3-49125416-G-A. GRCh37 (hg19) VCF-style: chr3-49162849-G-A.
Other names: short protein forms R853*.
Identifiers: ClinVar variation 3752752 (VCV003752752.2).